The following is an entry in ClinVar:

ClinVar aggregate classification (germline): Uncertain significance (1 of 4 stars; one submission).

Conditions:
Renal cell carcinoma. Identifiers: Orphanet 217071, MedGen C0007134, MeSH D002292, MONDO:0005086, HP:0005584.

Submission:

Labcorp Genetics (formerly Invitae), Labcorp
Classification: Uncertain significance for Renal cell carcinoma. Last evaluated: 2025-12-12. Review status: criteria provided, single submitter. Criteria: Invitae Variant Classification Sherloc (09022015). Collection method: clinical testing. Allele origin: germline.
Comment: This sequence change replaces threonine, which is neutral and polar, with lysine, which is basic and polar, at codon 579 of the MET protein (p.Thr579Lys). This variant is not present in population databases (gnomAD no frequency). This variant has not been reported in the literature in individuals affected with MET-related conditions. Invitae Evidence Modeling of protein sequence and biophysical properties (such as structural, functional, and spatial information, amino acid conservation, physicochemical variation, residue mobility, and thermodynamic stability) indicates that this missense variant is expected to disrupt MET protein function with a positive predictive value of 80%. In summary, the available evidence is currently insufficient to determine the role of this variant in disease. Therefore, it has been classified as a Variant of Uncertain Significance.

NM_000245.4(MET):c.1736C>A (p.Thr579Lys)

Gene: MET (MET proto-oncogene, receptor tyrosine kinase; plus strand). Cytogenetic location: 7q31.2.
Variant type: single nucleotide variant.
Coding change: c.1736C>A on transcript NM_000245.4 (MANE Select); coding-DNA position 1736, C replaced by A.
Protein change: p.Thr579Lys; replaces threonine 579 with lysine.
Molecular consequence: missense variant.
Genome position (GRCh38, 1-based): chr7:116,755,389, C>A. VCF-style: chr7-116755389-C-A. GRCh37 (hg19) VCF-style: chr7-116395443-C-A.
Other names: c.1736C>A, p.Thr579Lys (NM_001127500.3, NM_001324401.3); c.446C>A, p.Thr149Lys (NM_001324402.2); short protein forms T579K, T149K.
Identifiers: ClinVar variation 4744650 (VCV004744650.1).
Genomic context (GRCh38, chr7:116,755,389, plus strand): 5'-TTAAAAGTTCTATGTTGTCCTTGTAGGTTTTCCCAAATAGTGCACCCCTTGAAGGAGGGA[C>A]AAGGCTGACCATATGTGGCTGGGACTTTGGATTTCGGAGGAATAATAAATTTGATTTAAA-3'
Protein context (NP_000236.2, residues 569-589): FPNSAPLEGG[Thr579Lys]RLTICGWDFG